The following is an entry in ClinVar:

NM_000548.5(TSC2):c.2446C>T (p.Pro816Ser)

Gene: TSC2 (TSC complex subunit 2; plus strand). Cytogenetic location: 16p13.3.
Variant type: single nucleotide variant.
Coding change: c.2446C>T on transcript NM_000548.5 (MANE Select); coding-DNA position 2446, C replaced by T.
Protein change: p.Pro816Ser; replaces proline 816 with serine.
Molecular consequence: missense variant.
Genome position (GRCh38, 1-based): chr16:2,074,290, C>T. VCF-style: chr16-2074290-C-T. GRCh37 (hg19) VCF-style: chr16-2124291-C-T.
Other names: c.2446C>T, p.Pro816Ser (NM_001077183.3, NM_001114382.3, NM_001363528.2 and 3 more transcripts); c.2335C>T, p.Pro779Ser (NM_001318827.2); c.2299C>T, p.Pro767Ser (NM_001318829.2); c.1846C>T, p.Pro616Ser (NM_001318831.2); c.2479C>T, p.Pro827Ser (NM_001318832.2); c.2446C>T (NM_000548.3); short protein forms P616S, P767S, P779S, P816S, P827S.
Identifiers: ClinVar variation 1063987 (VCV001063987.10), dbSNP rs760265207, ClinGen allele CA039069.

ClinVar aggregate classification (germline): Conflicting classifications of pathogenicity. Review status: criteria provided, conflicting classifications (1 of 4 stars). 2 submissions from 2 submitters: Uncertain significance (1); Benign (1). Last evaluated 2025-10-13.

Conditions:
Hereditary cancer-predisposing syndrome. Also called: Tumor predisposition; Neoplastic Syndromes, Hereditary; Hereditary Cancer Syndrome; Hereditary neoplastic syndrome. Identifiers: Orphanet 140162, MedGen C0027672, MeSH D009386, MONDO:0015356.
Tuberous sclerosis 2 (TSC2). Identifiers: Orphanet 805, MedGen C1860707, MONDO:0013199, OMIM 613254.

Allele frequency attached by ClinVar (database versions not stated): gnomAD exomes 0.00001; ExAC 0.00002.
gnomAD v4.1: 3 of 1,613,162 alleles (0.00019%); highest among the groups gnomAD compares: Non-Finnish European, 0.00025%; no homozygotes.

Submissions (2):

Ambry Genetics
Classification: Uncertain significance for Hereditary cancer-predisposing syndrome. Last evaluated: 2025-10-13. Review status: criteria provided, single submitter. Criteria: Ambry Variant Classification Scheme 2023. Collection method: clinical testing. Allele origin: germline.
Comment: The p.P816S variant (also known as c.2446C>T), located in coding exon 21 of the TSC2 gene, results from a C to T substitution at nucleotide position 2446. The proline at codon 816 is replaced by serine, an amino acid with similar properties. This amino acid position is highly conserved in available vertebrate species. In addition, the in silico prediction for this alteration is inconclusive. Based on the available evidence, the clinical significance of this variant remains unclear.

Labcorp Genetics (formerly Invitae), Labcorp
Classification: Benign for Tuberous sclerosis 2. Last evaluated: 2022-08-09. Review status: criteria provided, single submitter. Criteria: Invitae Variant Classification Sherloc (09022015). Collection method: clinical testing. Allele origin: germline.